The following is an entry in ClinVar:

ClinVar aggregate classification (germline): Benign/Likely benign. Review status: criteria provided, multiple submitters, no conflicts (2 of 4 stars). 3 submissions from 3 submitters: Benign (1); Likely benign (1). 1 of the submissions does not count toward it. Last evaluated 2025-04-20.

Conditions:
COL11A1-related disorder. Also called: COL11A1-related condition; COL11A1-related disorders.

Submissions (3):

Labcorp Genetics (formerly Invitae), Labcorp
Classification: Benign. Last evaluated: 2025-04-20. Review status: criteria provided, single submitter. Criteria: Invitae Variant Classification Sherloc (09022015). Collection method: clinical testing. Allele origin: germline.

Blueprint Genetics
Classification: Likely benign. Last evaluated: 2022-03-25. Review status: criteria provided, single submitter. Criteria: ACMG Guidelines, 2015. Collection method: clinical testing. Allele origin: germline.

PreventionGenetics, part of Exact Sciences
Classification: Likely benign for COL11A1-related condition. Last evaluated: 2020-01-15. Review status: no assertion criteria provided. Collection method: clinical testing. Allele origin: germline. Not counted in ClinVar's aggregate classification.
Comment: This variant is classified as likely benign based on ACMG/AMP sequence variant interpretation guidelines (Richards et al. 2015 PMID: 25741868, with internal and published modifications).

NM_001854.4(COL11A1):c.2098-4dup

Gene: COL11A1 (collagen type XI alpha 1 chain; minus strand). Cytogenetic location: 1p21.1.
Variant type: Duplication.
Coding change: c.2098-4dup on transcript NM_001854.4 (MANE Select); 4 bases into the intron before coding-DNA position 2098, one base duplicated (A; older notation c.2098-4dupA).
Molecular consequence: intron variant.
Genome position (GRCh38, 1-based): chr1:103,001,973, T duplicated on the plus strand (A on the coding strand, the reverse complement: COL11A1 is on the minus strand); the first of 4 consecutive T bases (chr1:103,001,973-103,001,976); duplicating any one gives the same sequence. VCF-style (leftmost placement, unchanged base first): chr1-103001972-A-AT. GRCh37 (hg19) VCF-style: chr1-103467528-A-AT.
Other names: c.1981-4dup (NM_001190709.2); c.2134-4dup (NM_080629.3); c.1750-4dup (NM_080630.4); c.2098-4dupA (NM_001854.3).
Identifiers: ClinVar variation 1599795 (VCV001599795.12), dbSNP rs764570124, ClinGen allele CA27727847.